The following is an entry in ClinVar:

NM_024580.6(EFL1):c.801G>A (p.Leu267=)

Gene: EFL1 (elongation factor like GTPase 1; minus strand). Cytogenetic location: 15q25.2.
Variant type: single nucleotide variant.
Coding change: c.801G>A on transcript NM_024580.6 (MANE Select); coding-DNA position 801, G replaced by A.
Protein change: p.Leu267=; no amino-acid change (leucine 267 retained).
Molecular consequence: synonymous variant. On other transcripts: non-coding transcript variant (1).
Genome position (GRCh38, 1-based): chr15:82,230,902, C>T on the plus strand (G>A on the coding strand, the complement: EFL1 is on the minus strand). VCF-style: chr15-82230902-C-T. GRCh37 (hg19) VCF-style: chr15-82523243-C-T.
Other names: c.801G>A (NM_024580.5); c.648G>A, p.Leu216= (NM_001040610.3); c.12G>A, p.Leu4= (NM_001322844.2); c.801G>A, p.Leu267= (NM_001322845.2).
Identifiers: ClinVar variation 1149755 (VCV001149755.12), dbSNP rs374087805, ClinGen allele CA7698188.
Genomic context (GRCh38, chr15:82,230,902, plus strand): 5'-CATTACCTGATCACCCTTCATGATCTTTTTAGCCTTCATATTTATATAGTAATCTCCCCA[C>T]AAGGTTTTCATAAGAACTTCCTTTTTGATGCCAATTTTTTGACTGTAGATTCTGGCGAAG-3'
Protein context (NP_078856.4, residues 257-277): GIKKEVLMKT[Leu267=]WGDYYINMKA

ClinVar aggregate classification (germline): Likely benign. Review status: criteria provided, multiple submitters, no conflicts (2 of 4 stars). 3 submissions from 3 submitters: Likely benign (2). 1 of the submissions does not count toward it. Last evaluated 2025-10-21.

Conditions:
EFL1-related disorder. Also called: EFL1-related condition.

Allele frequency attached by ClinVar (database versions not stated): gnomAD exomes 0.00008; ExAC 0.00012; gnomAD 0.00025 and 0.00026; 1000 Genomes Project 30x 0.00031; TOPMed 0.00031; ESP Exome Variant Server 0.00034; 1000 Genomes Project 0.00040.
gnomAD v4.1: 106 of 1,613,534 alleles (0.0066%); highest among the groups gnomAD compares: African/African-American, 0.096%; no homozygotes.

Submissions (3):

Labcorp Genetics (formerly Invitae), Labcorp
Classification: Likely benign. Last evaluated: 2025-10-21. Review status: criteria provided, single submitter. Criteria: Invitae Variant Classification Sherloc (09022015). Collection method: clinical testing. Allele origin: germline.

Blueprint Genetics
Classification: Likely benign. Last evaluated: 2020-10-27. Review status: criteria provided, single submitter. Criteria: ACMG Guidelines, 2015. Collection method: clinical testing. Allele origin: germline.

PreventionGenetics, part of Exact Sciences
Classification: Likely benign for EFL1-related condition. Last evaluated: 2019-08-13. Review status: no assertion criteria provided. Collection method: clinical testing. Allele origin: germline. Not counted in ClinVar's aggregate classification.
Comment: This variant is classified as likely benign based on ACMG/AMP sequence variant interpretation guidelines (Richards et al. 2015 PMID: 25741868, with internal and published modifications).